The following is an entry in ClinVar:

ClinVar aggregate classification (germline): Uncertain significance (1 of 4 stars; one submission).

Conditions:
Emery-Dreifuss muscular dystrophy 5, autosomal dominant (EDMD5). Also called: EMERY-DREIFUSS MUSCULAR DYSTROPHY 5. Identifiers: Orphanet 261, MedGen C2751805, MONDO:0013072, OMIM 612999.

Submission:

Labcorp Genetics (formerly Invitae), Labcorp
Classification: Uncertain significance for Emery-Dreifuss muscular dystrophy 5, autosomal dominant. Last evaluated: 2024-05-13. Review status: criteria provided, single submitter. Criteria: Invitae Variant Classification Sherloc (09022015). Collection method: clinical testing. Allele origin: germline.
Comment: This sequence change replaces methionine, which is neutral and non-polar, with valine, which is neutral and non-polar, at codon 3418 of the SYNE2 protein (p.Met3418Val). This variant is not present in population databases (gnomAD no frequency). This variant has not been reported in the literature in individuals affected with SYNE2-related conditions. Algorithms developed to predict the effect of missense changes on protein structure and function output the following: SIFT: "Not Available"; PolyPhen-2: "Benign"; Align-GVGD: "Not Available". The valine amino acid residue is found in multiple mammalian species, which suggests that this missense change does not adversely affect protein function. In summary, the available evidence is currently insufficient to determine the role of this variant in disease. Therefore, it has been classified as a Variant of Uncertain Significance.

NM_182914.3(SYNE2):c.10252A>G (p.Met3418Val)

Gene: SYNE2 (spectrin repeat containing nuclear envelope protein 2; plus strand). Cytogenetic location: 14q23.2.
Variant type: single nucleotide variant.
Coding change: c.10252A>G on transcript NM_182914.3 (MANE Select); coding-DNA position 10252, A replaced by G.
Protein change: p.Met3418Val; replaces methionine 3418 with valine.
Molecular consequence: missense variant.
Genome position (GRCh38, 1-based): chr14:64,065,471, A>G. VCF-style: chr14-64065471-A-G. GRCh37 (hg19) VCF-style: chr14-64532189-A-G.
Other names: c.10252A>G, p.Met3418Val (NM_015180.6); short protein forms M3418V.
Identifiers: ClinVar variation 3640257 (VCV003640257.2).